The following is an entry in ClinVar:

NM_001277115.2(DNAH11):c.794G>A (p.Arg265His)

Gene: DNAH11 (dynein axonemal heavy chain 11; plus strand). Cytogenetic location: 7p15.3.
Variant type: single nucleotide variant.
Coding change: c.794G>A on transcript NM_001277115.2 (MANE Select); coding-DNA position 794, G replaced by A.
Protein change: p.Arg265His; replaces arginine 265 with histidine.
Molecular consequence: missense variant.
Genome position (GRCh38, 1-based): chr7:21,559,704, G>A. VCF-style: chr7-21559704-G-A. GRCh37 (hg19) VCF-style: chr7-21599322-G-A.
Other names: short protein forms R265H.
Identifiers: ClinVar variation 359599 (VCV000359599.19), dbSNP rs192989152, ClinGen allele CA4178782.
Genomic context (GRCh38, chr7:21,559,704, plus strand): 5'-CTGTGGTTATTGAATGGTCACATCAAATCCAAGAAATTATAGAAAGAGATTCAGTGCAGC[G>A]TTTGTTGAATGGTCTTCACTTGTCTCCTCAAGCAGAACTAGATTTCTGGATGATGAGGAG-3'
Protein context (NP_001264044.1, residues 255-275): QEIIERDSVQ[Arg265His]LLNGLHLSPQ

ClinVar aggregate classification (germline): Conflicting classifications of pathogenicity. Review status: criteria provided, conflicting classifications (1 of 4 stars). 4 submissions from 4 submitters: Uncertain significance (1); Likely benign (2). 1 of the submissions does not count toward it. Last evaluated 2026-02-27.

Conditions:
Primary ciliary dyskinesia. Also called: Ciliary dyskinesia. Identifiers: Orphanet 244, MedGen C0008780, MONDO:0016575, HP:0012265.
Congenital portosystemic shunt. Identifiers: Orphanet 480531, MedGen C1290495, MONDO:0018811.
DNAH11-related disorder. Also called: DNAH11-related condition.

Allele frequency attached by ClinVar (database versions not stated): ESP Exome Variant Server 0.00025; TOPMed 0.00028; gnomAD 0.00029 and 0.00037; ExAC 0.00045; 1000 Genomes Project 30x 0.00078; 1000 Genomes Project 0.00100.
gnomAD v4.1: 552 of 1,610,728 alleles (0.034%); highest among the groups gnomAD compares: East Asian, 0.57%; 1 homozygote.

Submissions (4):

Department of Pediatrics, Graduate School of Medical Sciences, Kyushu University
Classification: Uncertain significance for Congenital portosystemic shunt. Last evaluated: 2026-02-27. Review status: criteria provided, single submitter. Criteria: ACMG Guidelines, 2015. Collection method: research. Allele origin: germline. Affected: yes.
Comment: Both variants are rare or absent in population databases such as gnomAD, and in silico prediction tools including CADD suggest potential deleterious effects. However, the relationship between this gene and CPSS has not been established. Therefore, the clinical significance of this variant is currently classified as a variant of uncertain significance (VUS).

Labcorp Genetics (formerly Invitae), Labcorp
Classification: Likely benign for Primary ciliary dyskinesia. Last evaluated: 2025-12-11. Review status: criteria provided, single submitter. Criteria: Invitae Variant Classification Sherloc (09022015). Collection method: clinical testing. Allele origin: germline.

Ambry Genetics
Classification: Likely benign for Primary ciliary dyskinesia. Last evaluated: 2024-10-01. Review status: criteria provided, single submitter. Criteria: Ambry Variant Classification Scheme 2023. Collection method: clinical testing. Allele origin: germline.

PreventionGenetics, part of Exact Sciences
Classification: Likely benign for DNAH11-related condition. Last evaluated: 2022-02-03. Review status: no assertion criteria provided. Collection method: clinical testing. Allele origin: germline. Not counted in ClinVar's aggregate classification.
Comment: This variant is classified as likely benign based on ACMG/AMP sequence variant interpretation guidelines (Richards et al. 2015 PMID: 25741868, with internal and published modifications).